The following is an entry in ClinVar:

ClinVar aggregate classification (germline): Conflicting classifications of pathogenicity. Review status: criteria provided, conflicting classifications (1 of 4 stars). 4 submissions from 4 submitters: Uncertain significance (2); Likely benign (2). Last evaluated 2024-10-05.

Conditions:
Hereditary cancer-predisposing syndrome. Also called: Neoplastic Syndromes, Hereditary; Hereditary neoplastic syndrome; Tumor predisposition; Hereditary Cancer Syndrome. Identifiers: Orphanet 140162, MedGen C0027672, MeSH D009386, MONDO:0015356.
Ataxia-telangiectasia syndrome (AT). Also called: Ataxia telangiectasia (A-T); Cerebello-oculocutaneous telangiectasia; Immunodeficiency with ataxia telangiectasia; LOUIS-BAR SYNDROME; AT, COMPLEMENTATION GROUP C; ATAXIA-TELANGIECTASIA, FRESNO VARIANT. Identifiers: Orphanet 100, MedGen C0004135, MONDO:0008840, OMIM 208900.
Familial cancer of breast. Also called: hereditary breast carcinoma; Hereditary breast cancer; BREAST CANCER, FAMILIAL. Identifiers: Orphanet 227535, MedGen C0346153, MONDO:0016419, OMIM 114480. Disease mechanism: loss of function.

Submissions (4):

Labcorp Genetics (formerly Invitae), Labcorp
Classification: Likely benign for Ataxia-telangiectasia syndrome. Last evaluated: 2024-10-05. Review status: criteria provided, single submitter. Criteria: Invitae Variant Classification Sherloc (09022015). Collection method: clinical testing. Allele origin: germline.

Myriad Genetics, Inc.
Classification: Likely benign for Familial cancer of breast. Last evaluated: 2024-05-30. Review status: criteria provided, single submitter. Criteria: Myriad Autosomal Dominant, Autosomal Recessive and X-Linked Classification Criteria (2023). Collection method: clinical testing. Allele origin: unknown.
Comment: This variant is considered likely benign. This variant is intronic and is not expected to impact mRNA splicing.

Ambry Genetics
Classification: Uncertain significance for Hereditary cancer-predisposing syndrome. Last evaluated: 2021-07-19. Review status: criteria provided, single submitter. Criteria: Ambry Variant Classification Scheme 2023. Collection method: clinical testing. Allele origin: germline.
Comment: The c.6007-5T>C intronic variant results from a T to C substitution 5 nucleotides upstream from coding exon 40 in the ATM gene. This nucleotide position is well conserved in available vertebrate species. In silico splice site analysis predicts that this alteration will not have any significant effect on splicing. Since supporting evidence is limited at this time, the clinical significance of this alteration remains unclear.

Color Diagnostics, LLC DBA Color Health
Classification: Uncertain significance for Hereditary cancer-predisposing syndrome. Last evaluated: 2019-11-01. Review status: criteria provided, single submitter. Criteria: ACMG Guidelines, 2015. Collection method: clinical testing. Allele origin: germline.
Comment: This variant causes a T>C nucleotide substitution at the -5 position of intron 40 of the ATM gene. To our knowledge, functional studies have not been performed for this variant. Splice site prediction tools are inconclusive regarding the impact of this variant on RNA splicing. This variant has not been reported in individuals affected with hereditary cancer in the literature. This variant has not been identified in the general population by the Genome Aggregation Database (gnomAD). The available evidence is insufficient to determine the role of this variant in disease conclusively. Therefore, this variant is classified as a Variant of Uncertain Significance.

NM_000051.4(ATM):c.6007-5T>C

Genes: C11orf65 (chromosome 11 open reading frame 65; minus strand), ATM (ATM serine/threonine kinase; plus strand). Cytogenetic location: 11q22.3.
Variant type: single nucleotide variant.
Coding change: c.6007-5T>C on transcript NM_000051.4 (MANE Select); 5 bases into the intron before coding-DNA position 6007, T replaced by C.
Molecular consequence: intron variant.
Genome position (GRCh38, 1-based): chr11:108,315,818, T>C. VCF-style: chr11-108315818-T-C. GRCh37 (hg19) VCF-style: chr11-108186545-T-C.
Other names: c.6007-5T>C (NM_001351834.2); c.641-6747A>G (NM_001330368.2); c.*39-6747A>G (NM_001351110.2).
Identifiers: ClinVar variation 215587 (VCV000215587.18), dbSNP rs863224294, ClinGen allele CA338988.
Genomic context (GRCh38, chr11:108,315,818, plus strand): 5'-AATTTGCTAAATTTATAGACCGATTTTTTTTCCTTCTTCAATTTTTGTTGTTTCCATGTT[T>C]TCAGGATCTTCTCTTAGAAATCTACAGAAGTATAGGGGAGCCAGATAGTTTGTATGGCTG-3'